The following is an entry in ClinVar:

ClinVar aggregate classification (germline): Uncertain significance (1 of 4 stars; one submission).

Conditions:
EGFR-related lung cancer (EGFR). Identifiers: MedGen CN130014.

Submission:

Labcorp Genetics (formerly Invitae), Labcorp
Classification: Uncertain significance for EGFR-related lung cancer. Last evaluated: 2024-12-23. Review status: criteria provided, single submitter. Criteria: Invitae Variant Classification Sherloc (09022015). Collection method: clinical testing. Allele origin: germline.
Comment: This sequence change replaces glutamic acid, which is acidic and polar, with lysine, which is basic and polar, at codon 97 of the EGFR protein (p.Glu97Lys). This variant is not present in population databases (gnomAD no frequency). This variant has not been reported in the literature in individuals affected with EGFR-related conditions. Invitae Evidence Modeling of protein sequence and biophysical properties (such as structural, functional, and spatial information, amino acid conservation, physicochemical variation, residue mobility, and thermodynamic stability) indicates that this missense variant is not expected to disrupt EGFR protein function with a negative predictive value of 80%. In summary, the available evidence is currently insufficient to determine the role of this variant in disease. Therefore, it has been classified as a Variant of Uncertain Significance.

NM_005228.5(EGFR):c.289G>A (p.Glu97Lys)

Gene: EGFR (epidermal growth factor receptor; plus strand). Cytogenetic location: 7p11.2.
Variant type: single nucleotide variant.
Coding change: c.289G>A on transcript NM_005228.5 (MANE Select); coding-DNA position 289, G replaced by A.
Protein change: p.Glu97Lys; replaces glutamic acid 97 with lysine.
Molecular consequence: missense variant. On other transcripts: intron variant (1).
Genome position (GRCh38, 1-based): chr7:55,143,353, G>A. VCF-style: chr7-55143353-G-A. GRCh37 (hg19) VCF-style: chr7-55211046-G-A.
Other names: c.289G>A, p.Glu97Lys (NM_001346897.2, NM_001346898.2, NM_001346899.2 and 3 more transcripts); c.130G>A, p.Glu44Lys (NM_001346900.2); c.89-12477G>A (NM_001346941.2); short protein forms E44K, E97K.
Identifiers: ClinVar variation 3649874 (VCV003649874.2).